The following is an entry in ClinVar:

NC_000010.10:g.(?_102987027)_(103372254_?)dup

Genes: BTRC (beta-transducin repeat containing E3 ubiquitin protein ligase; plus strand), DPCD (deleted in primary ciliary dyskinesia homolog (mouse); plus strand), FBXW4 (F-box and WD repeat domain containing 4; minus strand), LBX1 (ladybird homeobox 1; minus strand), POLL (DNA polymerase lambda; minus strand). Cytogenetic location: 10q24.31-24.32.
Variant type: Duplication.
Identifiers: ClinVar variation 3244998 (VCV003244998.1).

ClinVar aggregate classification (germline): Uncertain significance (1 of 4 stars; one submission).

Submission:

Labcorp Genetics (formerly Invitae), Labcorp
Classification: Uncertain significance. Last evaluated: 2022-08-19. Review status: criteria provided, single submitter. Criteria: Invitae Variant Classification Sherloc (09022015). Collection method: clinical testing. Allele origin: unknown.
Comment: This variant results in a copy number gain of the genomic region encompassing exon(s) 7-9 of the FBXW4 gene. This region includes the termination codon of the gene. This copy number gain extends beyond the assayed region for this gene and therefore may encompass additional genes. As the precise location of this event is unknown, it may be in tandem or it may be located elsewhere in the genome. In summary, the available evidence is currently insufficient to determine the role of this variant in disease. Therefore, it has been classified as a Variant of Uncertain Significance. Isolated whole-gene copy number gains of FBXW4 have not been reported in the literature. However, larger copy number events that include this gene have been reported (PMID: 12913067).

Literature cited by the submitters: PubMed 12913067.